The following is an entry in ClinVar:

ClinVar aggregate classification (germline): Uncertain significance. Review status: criteria provided, multiple submitters, no conflicts (2 of 4 stars). 2 submissions from 2 submitters: Uncertain significance (2). Last evaluated 2024-07-02.

Conditions:
Cardiovascular phenotype. Identifiers: MedGen CN230736.
Catecholaminergic polymorphic ventricular tachycardia 1. Also called: VENTRICULAR TACHYCARDIA, CATECHOLAMINERGIC POLYMORPHIC, 1, WITH OR WITHOUT ATRIAL DYSFUNCTION AND/OR DILATED CARDIOMYOPATHY; VENTRICULAR TACHYCARDIA, STRESS-INDUCED POLYMORPHIC 1; RYR2-Related Catecholaminergic Polymorphic Ventricular Tachycardia. Identifiers: Orphanet 3286, MedGen C1631597, MONDO:0011484, OMIM 604772.

Submissions (2):

Labcorp Genetics (formerly Invitae), Labcorp
Classification: Uncertain significance for Catecholaminergic polymorphic ventricular tachycardia 1. Last evaluated: 2024-07-02. Review status: criteria provided, single submitter. Criteria: Invitae Variant Classification Sherloc (09022015). Collection method: clinical testing. Allele origin: germline.
Comment: This sequence change replaces leucine, which is neutral and non-polar, with proline, which is neutral and non-polar, at codon 2574 of the RYR2 protein (p.Leu2574Pro). This variant is not present in population databases (gnomAD no frequency). This variant has not been reported in the literature in individuals affected with RYR2-related conditions. Advanced modeling of protein sequence and biophysical properties (such as structural, functional, and spatial information, amino acid conservation, physicochemical variation, residue mobility, and thermodynamic stability) performed at Invitae indicates that this missense variant is expected to disrupt RYR2 protein function with a positive predictive value of 95%. In summary, the available evidence is currently insufficient to determine the role of this variant in disease. Therefore, it has been classified as a Variant of Uncertain Significance.

Ambry Genetics
Classification: Uncertain significance for Cardiovascular phenotype. Last evaluated: 2023-11-13. Review status: criteria provided, single submitter. Criteria: Ambry Variant Classification Scheme 2023. Collection method: clinical testing. Allele origin: germline.
Comment: The p.L2574P variant (also known as c.7721T>C), located in coding exon 50 of the RYR2 gene, results from a T to C substitution at nucleotide position 7721. The leucine at codon 2574 is replaced by proline, an amino acid with similar properties. This amino acid position is well conserved in available vertebrate species. In addition, this alteration is predicted to be deleterious by in silico analysis. Since supporting evidence is limited at this time, the clinical significance of this alteration remains unclear.

NM_001035.3(RYR2):c.7721T>C (p.Leu2574Pro)

Gene: RYR2 (ryanodine receptor 2; plus strand). Cytogenetic location: 1q43.
Variant type: single nucleotide variant.
Coding change: c.7721T>C on transcript NM_001035.3 (MANE Select); coding-DNA position 7721, T replaced by C.
Protein change: p.Leu2574Pro; replaces leucine 2574 with proline.
Molecular consequence: missense variant.
Genome position (GRCh38, 1-based): chr1:237,650,085, T>C. VCF-style: chr1-237650085-T-C. GRCh37 (hg19) VCF-style: chr1-237813385-T-C.
Other names: short protein forms L2574P.
Identifiers: ClinVar variation 3232410 (VCV003232410.3), dbSNP rs2547038325, ClinGen allele CA345399417.